The following is an entry in ClinVar:

ClinVar aggregate classification (germline): Likely benign. Review status: criteria provided, single submitter (1 of 4 stars). 2 submissions from 2 submitters: Likely benign (1). 1 of the submissions does not count toward it. Last evaluated 2024-10-03.

Conditions:
TNRC6B-related disorder. Also called: TNRC6B-related condition.

Allele frequency attached by ClinVar (database versions not stated): ExAC 0.00002; TOPMed 0.00003; gnomAD 0.00009.
gnomAD v4.1: 28 of 1,606,722 alleles (0.0017%); highest among the groups gnomAD compares: Admixed American, 0.024%; 2 homozygotes.

Submissions (2):

Blueprint Genetics
Classification: Likely benign. Last evaluated: 2024-10-03. Review status: criteria provided, single submitter. Criteria: ACMG Guidelines, 2015. Collection method: clinical testing. Allele origin: germline.

PreventionGenetics, part of Exact Sciences
Classification: Likely benign for TNRC6B-related condition. Last evaluated: 2019-02-20. Review status: no assertion criteria provided. Collection method: clinical testing. Allele origin: germline. Not counted in ClinVar's aggregate classification.
Comment: This variant is classified as likely benign based on ACMG/AMP sequence variant interpretation guidelines (Richards et al. 2015 PMID: 25741868, with internal and published modifications).

NM_001162501.2(TNRC6B):c.3211T>C (p.Leu1071=)

Gene: TNRC6B (trinucleotide repeat containing adaptor 6B; plus strand). Cytogenetic location: 22q13.1.
Variant type: single nucleotide variant.
Coding change: c.3211T>C on transcript NM_001162501.2 (MANE Select); coding-DNA position 3211, T replaced by C.
Protein change: p.Leu1071=; no amino-acid change (leucine 1071 retained).
Molecular consequence: synonymous variant.
Genome position (GRCh38, 1-based): chr22:40,277,146, T>C. VCF-style: chr22-40277146-T-C. GRCh37 (hg19) VCF-style: chr22-40673150-T-C.
Other names: c.970T>C, p.Leu324= (NM_001024843.2); c.3052T>C, p.Leu1018= (NM_015088.3).
Identifiers: ClinVar variation 3034506 (VCV003034506.3), dbSNP rs766057716, ClinGen allele CA10246995.